The following is an entry in ClinVar:

NM_025114.4(CEP290):c.2667G>T (p.Leu889Phe)

Gene: CEP290 (centrosomal protein 290; minus strand). Cytogenetic location: 12q21.32.
Variant type: single nucleotide variant.
Coding change: c.2667G>T on transcript NM_025114.4 (MANE Select); coding-DNA position 2667, G replaced by T.
Protein change: p.Leu889Phe; replaces leucine 889 with phenylalanine.
Molecular consequence: missense variant.
Genome position (GRCh38, 1-based): chr12:88,106,825, C>A on the plus strand (G>T on the coding strand, the complement: CEP290 is on the minus strand). VCF-style: chr12-88106825-C-A. GRCh37 (hg19) VCF-style: chr12-88500602-C-A.
Other names: short protein forms L889F.
Identifiers: ClinVar variation 866437 (VCV000866437.19), dbSNP rs142038791, ClinGen allele CA6712292.

ClinVar aggregate classification (germline): Uncertain significance. Review status: criteria provided, multiple submitters, no conflicts (2 of 4 stars). 7 submissions from 7 submitters: Uncertain significance (6). 1 of the submissions does not count toward it. Last evaluated 2026-03-23.

Conditions:
Nephronophthisis. Also called: Juvenile Nephronophthisis. Identifiers: Orphanet 655, MedGen C0687120, MONDO:0019005, HP:0000090.
Meckel-Gruber syndrome. Also called: GRUBER SYNDROME; DYSENCEPHALIA SPLANCHNOCYSTICA; Dysencephalia splachnocystica. Identifiers: Orphanet 564, MedGen C0265215, MONDO:0018921.
Joubert syndrome. Also called: Familial aplasia of the vermis; JOUBERT-BOLTSHAUSER SYNDROME. Identifiers: Orphanet 475, MedGen C5979921, MONDO:0018772.
Leber congenital amaurosis (LCA). Also called: Leber's amaurosis. Identifiers: Orphanet 65, MedGen C0339527, MeSH D057130, MONDO:0018998.
CEP290-related disorder. Also called: CEP290-related condition; CEP290-related disorders. Identifiers: MedGen CN239314.
Joubert syndrome 5 (JBTS5). Identifiers: Orphanet 2318, MedGen C1857780, MONDO:0012432, OMIM 610188.
Meckel syndrome, type 4 (MKS4). Also called: MECKEL-GRUBER SYNDROME, TYPE 4. Identifiers: Orphanet 564, MedGen C1970161, MONDO:0012626, OMIM 611134.
Senior-Loken syndrome 6 (SLSN6). Identifiers: Orphanet 3156, MedGen C1857779, MONDO:0012433, OMIM 610189.
Leber congenital amaurosis 10 (LCA10). Identifiers: Orphanet 65, MedGen C1857821, MONDO:0012723, OMIM 611755.
Bardet-Biedl syndrome 14 (BBS14). Identifiers: Orphanet 110, MedGen C2673874, MONDO:0014442, OMIM 615991.

Allele frequency attached by ClinVar (database versions not stated): gnomAD exomes 0.00005 and 0.00011; ExAC 0.00018; 1000 Genomes Project 30x 0.00031; 1000 Genomes Project 0.00040; gnomAD 0.00046 and 0.00049; ESP Exome Variant Server 0.00051; TOPMed 0.00053.
gnomAD v4.1: 138 of 1,608,464 alleles (0.0086%); highest among the groups gnomAD compares: African/African-American, 0.17%; no homozygotes.

Submissions (7):

PreventionGenetics, part of Exact Sciences
Classification: Uncertain significance for CEP290-related condition. Last evaluated: 2026-03-23. Review status: criteria provided, single submitter. Criteria: ACMG Guidelines, 2015. Collection method: clinical testing. Allele origin: germline.
Comment: The CEP290 c.2667G>T variant is predicted to result in the amino acid substitution p.Leu889Phe. This variant has been reported in a patient affected by autosomal dominant rod dystrophy, who was positive for a heterozygous nonsense variant in the PRPF8 gene (Wang et al. 2014. PubMed ID: 25097241, Tables 2 & S3, Patient 38). This variant is reported in 0.13% of alleles in individuals of African descent in gnomAD, which is likely too frequent to be a primary cause of disease. Although we suspect that this variant may be benign, at this time, the clinical significance of this variant is uncertain due to the absence of conclusive functional and genetic evidence.

Dasa
Classification: Uncertain significance. Last evaluated: 2025-02-26. Review status: criteria provided, single submitter. Criteria: DASA Assertion Criteria. Collection method: clinical testing. Allele origin: germline.
Comment: NM_025114.4(CEP290):c.2667G>T (p.Leu889Phe) is a missense variant that results in the substitution of leucine with phenylalanine. This variant is rare in population databases. Computational prediction algorithms are consistent with a benign effect. The currently available literature and clinical evidence are not sufficient to establish a definitive association between this variant and the reported condition. Therefore, this variant is classified as a variant of uncertain significance.

Fulgent Genetics
Classification: Uncertain significance for Joubert syndrome 5; Senior-Loken syndrome 6; Meckel syndrome, type 4; Leber congenital amaurosis 10; Bardet-Biedl syndrome 14. Last evaluated: 2024-06-04. Review status: criteria provided, single submitter. Criteria: ACMG Guidelines, 2015. Collection method: clinical testing. Allele origin: germline.

Blueprint Genetics
Classification: Uncertain significance. Last evaluated: 2023-05-09. Review status: criteria provided, single submitter. Criteria: ACMG Guidelines, 2015. Collection method: clinical testing. Allele origin: germline.

Labcorp Genetics (formerly Invitae), Labcorp
Classification: Uncertain significance for Joubert syndrome; Meckel-Gruber syndrome; Nephronophthisis. Last evaluated: 2022-11-01. Review status: criteria provided, single submitter. Criteria: Invitae Variant Classification Sherloc (09022015). Collection method: clinical testing. Allele origin: germline.
Comment: This sequence change replaces leucine, which is neutral and non-polar, with phenylalanine, which is neutral and non-polar, at codon 889 of the CEP290 protein (p.Leu889Phe). This variant is present in population databases (rs142038791, gnomAD 0.1%). This missense change has been observed in individual(s) with clinical features of CEP290-related conditions (Invitae). ClinVar contains an entry for this variant (Variation ID: 866437). Advanced modeling of protein sequence and biophysical properties (such as structural, functional, and spatial information, amino acid conservation, physicochemical variation, residue mobility, and thermodynamic stability) performed at Invitae indicates that this missense variant is expected to disrupt CEP290 protein function. In summary, the available evidence is currently insufficient to determine the role of this variant in disease. Therefore, it has been classified as a Variant of Uncertain Significance.

GeneDx
Classification: Uncertain significance. Last evaluated: 2021-11-02. Review status: criteria provided, single submitter. Criteria: GeneDx Variant Classification Process June 2021. Collection method: clinical testing. Allele origin: germline. Affected: yes.
Comment: In silico analysis supports that this missense variant has a deleterious effect on protein structure/function; Has not been previously published as pathogenic or benign to our knowledge

Natera, Inc.
Classification: Uncertain significance for Leber congenital amaurosis. Last evaluated: 2020-02-02. Review status: no assertion criteria provided. Collection method: clinical testing. Allele origin: germline. Not counted in ClinVar's aggregate classification.